The following is an entry in ClinVar:

NM_025179.4(PLXNA2):c.2908A>G (p.Thr970Ala)

Gene: PLXNA2 (plexin A2; minus strand). Cytogenetic location: 1q32.2.
Variant type: single nucleotide variant.
Coding change: c.2908A>G on transcript NM_025179.4 (MANE Select); coding-DNA position 2908, A replaced by G.
Protein change: p.Thr970Ala; replaces threonine 970 with alanine.
Molecular consequence: missense variant.
Genome position (GRCh38, 1-based): chr1:208,052,412, T>C on the plus strand (A>G on the coding strand, the complement: PLXNA2 is on the minus strand). VCF-style: chr1-208052412-T-C. GRCh37 (hg19) VCF-style: chr1-208225757-T-C.
Other names: c.2908A>G (NM_025179.3); short protein forms T970A.
Identifiers: ClinVar variation 1394778 (VCV001394778.9), dbSNP rs760702524, ClinGen allele CA1373355.

ClinVar aggregate classification (germline): Uncertain significance. Review status: criteria provided, multiple submitters, no conflicts (2 of 4 stars). 2 submissions from 2 submitters: Uncertain significance (2). Last evaluated 2025-12-10.

Conditions:
PLXNA2-related disorder. Also called: PLXNA2-related condition.

Allele frequency attached by ClinVar (database versions not stated): TOPMed 0.00001; ExAC 0.00002; gnomAD exomes 0.00003.
gnomAD v4.1: 8 of 1,614,132 alleles (0.0005%); highest among the groups gnomAD compares: Admixed American, 0.013%; no homozygotes.

Submissions (2):

PreventionGenetics, part of Exact Sciences
Classification: Uncertain significance for PLXNA2-related condition. Last evaluated: 2025-12-10. Review status: criteria provided, single submitter. Criteria: ACMG Guidelines, 2015. Collection method: clinical testing. Allele origin: germline.
Comment: The PLXNA2 c.2908A>G variant is predicted to result in the amino acid substitution p.Thr970Ala. To our knowledge, this variant has not been reported in the literature. This variant is reported in 0.020% of alleles in individuals of Latino descent in gnomAD. At this time, the clinical significance of this variant is uncertain due to the absence of conclusive functional and genetic evidence.

Labcorp Genetics (formerly Invitae), Labcorp
Classification: Uncertain significance. Last evaluated: 2024-12-09. Review status: criteria provided, single submitter. Criteria: Invitae Variant Classification Sherloc (09022015). Collection method: clinical testing. Allele origin: germline.
Comment: This sequence change replaces threonine, which is neutral and polar, with alanine, which is neutral and non-polar, at codon 970 of the PLXNA2 protein (p.Thr970Ala). This variant is present in population databases (rs760702524, gnomAD 0.02%). This variant has not been reported in the literature in individuals affected with PLXNA2-related conditions. ClinVar contains an entry for this variant (Variation ID: 1394778). Invitae Evidence Modeling of protein sequence and biophysical properties (such as structural, functional, and spatial information, amino acid conservation, physicochemical variation, residue mobility, and thermodynamic stability) indicates that this missense variant is expected to disrupt PLXNA2 protein function with a positive predictive value of 80%. In summary, the available evidence is currently insufficient to determine the role of this variant in disease. Therefore, it has been classified as a Variant of Uncertain Significance.